The following is an entry in ClinVar:

ClinVar aggregate classification (germline): Pathogenic (1 of 4 stars; one submission).

Conditions:
Myofibrillar myopathy 4. Also called: Zaspopathy (type). Identifiers: Orphanet 98912, MedGen C4721886, MONDO:0012277, OMIM 609452.

Submission:

Labcorp Genetics (formerly Invitae), Labcorp
Classification: Pathogenic for Myofibrillar myopathy 4. Last evaluated: 2025-12-24. Review status: criteria provided, single submitter. Criteria: Invitae Variant Classification Sherloc (09022015). Collection method: clinical testing. Allele origin: germline.
Comment: The LDB3 gene has multiple clinically relevant transcripts. This variant occurs in alternate transcript NM_007078.3, which corresponds to a similar sequence change NM_001080116.1:c.585del (p.Ser196Leufs*7) in the primary transcript. This sequence change creates a premature translational stop signal (p.Ser243Leufs*7) in the LDB3 gene. This sequence change creates a premature translational stop signal (p.Ser243Leufs*7) in the LDB3 gene. It is expected to result in an absent or disrupted protein product in both transcripts. However, loss-of-function variants in LDB3 are only known to be pathogenic in the alternate transcript (PMID: 36253531). This variant is not present in population databases (gnomAD no frequency). This variant has not been reported in the literature in individuals affected with LDB3-related conditions. For these reasons, this variant has been classified as Pathogenic.

Literature cited by the submitters: PubMed 36253531.

NM_007078.3(LDB3):c.726del (p.Ser243fs)

Gene: LDB3 (LIM domain binding 3; plus strand). Cytogenetic location: 10q23.2.
Variant type: Deletion.
Coding change: c.726del on transcript NM_007078.3 (MANE Select); coding-DNA position 726, one base deleted (C; older notation c.726delC).
Protein change: p.Ser243fs; shifts the reading frame from serine 243.
Molecular consequence: frameshift variant.
Genome position (GRCh38, 1-based): chr10:86,691,932, C deleted; the last of 2 consecutive C bases (chr10:86,691,931-86,691,932); deleting either gives the same sequence. VCF-style (leftmost placement, unchanged base first): chr10-86691930-GC-G. GRCh37 (hg19) VCF-style: chr10-88451687-GC-G.
Other names: c.930del, p.Ser311fs (NM_001171611.2, NM_001171610.2); c.726del, p.Ser243fs (NM_001368063.1, NM_001368064.1, NM_001368065.1 and 1 more transcripts); c.585del, p.Ser196fs (NM_001368066.1, NM_001368067.1, NM_001368068.1 and 2 more transcripts); short protein forms S243fs, S196fs, S311fs.
Identifiers: ClinVar variation 4733575 (VCV004733575.1).